The following is an entry in ClinVar:

ClinVar aggregate classification (germline): Benign (1 of 4 stars; one submission).

Allele frequency attached by ClinVar (database versions not stated): 1000 Genomes Project 30x 0.05325; gnomAD 0.06596 and 0.06708; TOPMed 0.06458; 1000 Genomes Project 0.05252.

Submission:

GeneDx
Classification: Benign. Last evaluated: 2018-06-14. Review status: criteria provided, single submitter. Criteria: GeneDx Variant Classification (06012015). Collection method: clinical testing. Allele origin: germline. Affected: yes.
Comment: This variant is considered likely benign or benign based on one or more of the following criteria: it is a conservative change, it occurs at a poorly conserved position in the protein, it is predicted to be benign by multiple in silico algorithms, and/or has population frequency not consistent with disease.

NM_005670.3(EPM2A):c.-655G>A

Genes: EPM2A (EPM2A glucan phosphatase, laforin; minus strand), EPM2A-DT (EPM2A divergent transcript; plus strand). Cytogenetic location: 6q24.3.
Variant type: single nucleotide variant.
Coding change: c.-655G>A on transcript NM_005670.3; 655 bases upstream of the start codon, G replaced by A.
Genome position (GRCh38, 1-based): chr6:145,736,153, C>T on the plus strand (G>A on the coding strand, the complement: EPM2A is on the minus strand). VCF-style: chr6-145736153-C-T. GRCh37 (hg19) VCF-style: chr6-146057289-C-T.
Identifiers: ClinVar variation 668132 (VCV000668132.3), dbSNP rs12193627, ClinGen allele CA12307525.